The following is an entry in ClinVar:

ClinVar aggregate classification (germline): Uncertain significance (1 of 4 stars; one submission).

Conditions:
Cardiovascular phenotype. Identifiers: MedGen CN230736.

Submission:

Ambry Genetics
Classification: Uncertain significance for Cardiovascular phenotype. Last evaluated: 2020-08-20. Review status: criteria provided, single submitter. Criteria: Ambry Variant Classification Scheme 2023. Collection method: clinical testing. Allele origin: germline.
Comment: The p.Q1615R variant (also known as c.4844A>G), located in coding exon 34 of the LAMA4 gene, results from an A to G substitution at nucleotide position 4844. The glutamine at codon 1615 is replaced by arginine, an amino acid with highly similar properties. This amino acid position is highly conserved in available vertebrate species. In addition, this alteration is predicted to be deleterious by in silico analysis. Since supporting evidence is limited at this time, the clinical significance of this alteration remains unclear.

NM_001105206.3(LAMA4):c.4865A>G (p.Gln1622Arg)

Gene: LAMA4 (laminin subunit alpha 4; minus strand). Cytogenetic location: 6q21.
Variant type: single nucleotide variant.
Coding change: c.4865A>G on transcript NM_001105206.3 (MANE Select); coding-DNA position 4865, A replaced by G.
Protein change: p.Gln1622Arg; replaces glutamine 1622 with arginine.
Molecular consequence: missense variant.
Genome position (GRCh38, 1-based): chr6:112,117,855, T>C on the plus strand (A>G on the coding strand, the complement: LAMA4 is on the minus strand). VCF-style: chr6-112117855-T-C. GRCh37 (hg19) VCF-style: chr6-112439058-T-C.
Other names: c.4844A>G, p.Gln1615Arg (NM_001105207.3, NM_002290.5); short protein forms Q1622R, Q1615R.
Identifiers: ClinVar variation 1743522 (VCV001743522.2), dbSNP rs2546971798, ClinGen allele CA365366703.